The following is an entry in ClinVar:

NM_001005361.3(DNM2):c.1549G>A (p.Glu517Lys)

Gene: DNM2 (dynamin 2; plus strand). Cytogenetic location: 19p13.2.
Variant type: single nucleotide variant.
Coding change: c.1549G>A on transcript NM_001005361.3 (MANE Select); coding-DNA position 1549, G replaced by A.
Protein change: p.Glu517Lys; replaces glutamic acid 517 with lysine.
Molecular consequence: missense variant. On other transcripts: intron variant (2).
Genome position (GRCh38, 1-based): chr19:10,808,572, G>A. VCF-style: chr19-10808572-G-A. GRCh37 (hg19) VCF-style: chr19-10919248-G-A.
Other names: c.1549G>A, p.Glu517Lys (NM_001005360.3, NM_001190716.2); c.1545+2605G>A (NM_004945.4, NM_001005362.3); short protein forms E517K.
Identifiers: ClinVar variation 1774999 (VCV001774999.2), dbSNP rs1599595318, ClinGen allele CA404038865.

ClinVar aggregate classification (germline): Uncertain significance (1 of 4 stars; one submission).

Conditions:
Inborn genetic diseases. Identifiers: MedGen C0950123, MeSH D030342.

Submission:

Ambry Genetics
Classification: Uncertain significance for Inborn genetic diseases. Last evaluated: 2020-03-17. Review status: criteria provided, single submitter. Criteria: Ambry Variant Classification Scheme 2023. Collection method: clinical testing. Allele origin: germline.
Comment: The p.E517K variant (also known as c.1549G>A), located in coding exon 14 of the DNM2 gene, results from a G to A substitution at nucleotide position 1549. The glutamic acid at codon 517 is replaced by lysine, an amino acid with similar properties. This amino acid position is highly conserved in available vertebrate species. In addition, this alteration is predicted to be deleterious by in silico analysis. Since supporting evidence is limited at this time, the clinical significance of this alteration remains unclear.